The following is an entry in ClinVar:

NM_001365951.3(KIF1B):c.3689-3_3689del

Gene: KIF1B (kinesin family member 1B; plus strand). Cytogenetic location: 1p36.22.
Variant type: Deletion.
Coding change: c.3689-3_3689del on transcript NM_001365951.3 (MANE Select); 3 bases into the intron before coding-DNA position 3689 through coding-DNA position 3689, 4 bases deleted (AAGT; older notation c.3689-3_3689delAAGT).
Molecular consequence: splice acceptor variant.
Genome position (GRCh38, 1-based): chr1:10,345,842-10,345,845, AAGT deleted. VCF-style (leftmost placement, unchanged base first): chr1-10345841-AAAGT-A. GRCh37 (hg19) VCF-style: chr1-10405899-AAAGT-A.
Other names: c.3551-3_3551del (NM_015074.3); c.3689-3_3689del (NM_001365952.1); c.3551-3_3551delAAGT (NM_015074.3).
Identifiers: ClinVar variation 1732598 (VCV001732598.3), dbSNP rs2521776658, ClinGen allele CA2580060459.
Genomic context (GRCh38, chr1:10,345,841, plus strand): 5'-AAGCTTGTATTTTTGCTGAGTAGTCTTGGACCAGATTTTGACATACTCTAAAAACTTTTA[AAAGT>A]TCCAGCCACCAAGTTAAACACGATGAGCAAAACCAGCCTTGGCCAGAGCATGAGCAAGTA-3'

ClinVar aggregate classification (germline): Uncertain significance (1 of 4 stars; one submission).

Submission:

Ambry Genetics
Classification: Uncertain significance. Last evaluated: 2024-09-10. Review status: criteria provided, single submitter. Criteria: Ambry Variant Classification Scheme 2023. Collection method: clinical testing. Allele origin: germline.
Comment: The c.3551-3_3551delAAGT variant results from a deletion of four nucleotides (AAGT) between positions 3551-3 and 3551 and involves the canonical splice acceptor site before coding exon 32 of the KIF1B gene. The canonical splice acceptor site is highly conserved in available vertebrate species. In silico splice site analysis predicts that this alteration will weaken the native splice acceptor site and will result in the creation or strengthening of a novel splice acceptor site; however, the exact impact of this deletion on KIF1B splicing and function is currently unknown. Alterations that disrupt the canonical splice site are expected to cause aberrant splicing, resulting in an abnormal protein or a transcript that is subject to nonsense-mediated mRNA decay. However, the gene-disease association for KIF1B is limited. Based on the available evidence, the clinical significance of this variant remains unclear.